The following is an entry in ClinVar:

ClinVar aggregate classification (germline): Benign (0 of 4 stars; one submission).

Conditions:
ZP2-related disorder. Also called: ZP2-related condition.

Allele frequency attached by ClinVar (database versions not stated): ESP Exome Variant Server 0.25762; TOPMed 0.28358; gnomAD 0.28541; gnomAD exomes 0.28975; ExAC 0.30241; 1000 Genomes Project 0.31809; 1000 Genomes Project 30x 0.31855.
gnomAD v4.1: 467,713 of 1,613,452 alleles (29%); highest among the groups gnomAD compares: East Asian, 42%; 69,451 homozygotes.

Submission:

PreventionGenetics, part of Exact Sciences
Classification: Benign for ZP2-related condition. Last evaluated: 2019-10-17. Review status: no assertion criteria provided. Collection method: clinical testing. Allele origin: germline.
Comment: This variant is classified as benign based on ACMG/AMP sequence variant interpretation guidelines (Richards et al. 2015 PMID: 25741868, with internal and published modifications).

NM_001376232.1(ZP2):c.747T>C (p.Pro249=)

Gene: ZP2 (zona pellucida glycoprotein 2; minus strand). Cytogenetic location: 16p12.2.
Variant type: single nucleotide variant.
Coding change: c.747T>C on transcript NM_001376232.1 (MANE Select); coding-DNA position 747, T replaced by C.
Protein change: p.Pro249=; no amino-acid change (proline 249 retained).
Molecular consequence: synonymous variant. On other transcripts: non-coding transcript variant (1).
Genome position (GRCh38, 1-based): chr16:21,204,351, A>G on the plus strand (T>C on the coding strand, the complement: ZP2 is on the minus strand). VCF-style: chr16-21204351-A-G. GRCh37 (hg19) VCF-style: chr16-21215672-A-G.
Other names: c.747T>C, p.Pro249= (NM_001376231.1, NM_001376233.1, NM_003460.2).
Identifiers: ClinVar variation 3060177 (VCV003060177.2), dbSNP rs2075526, ClinGen allele CA7949957.